The following is an entry in ClinVar:

ClinVar aggregate classification (germline): Likely benign (1 of 4 stars; one submission).

Conditions:
ACTG2-related disorder. Also called: ACTG2-related condition.

gnomAD v4.1: 55 of 1,613,984 alleles (0.0034%); highest among the groups gnomAD compares: African/African-American, 0.047%; no homozygotes.

Submission:

PreventionGenetics, part of Exact Sciences
Classification: Likely benign for ACTG2-related condition. Last evaluated: 2024-11-15. Review status: criteria provided, single submitter. Criteria: ACMG Guidelines, 2015. Collection method: clinical testing. Allele origin: germline.
Comment: This variant is classified as likely benign based on ACMG/AMP sequence variant interpretation guidelines (Richards et al. 2015 PMID: 25741868, with internal and published modifications).

NM_001615.4(ACTG2):c.402C>T (p.Tyr134=)

Gene: ACTG2 (actin gamma 2, smooth muscle; plus strand). Cytogenetic location: 2p13.1.
Variant type: single nucleotide variant.
Coding change: c.402C>T on transcript NM_001615.4 (MANE Select); coding-DNA position 402, C replaced by T.
Protein change: p.Tyr134=; no amino-acid change (tyrosine 134 retained).
Molecular consequence: synonymous variant.
Genome position (GRCh38, 1-based): chr2:73,909,090, C>T. VCF-style: chr2-73909090-C-T. GRCh37 (hg19) VCF-style: chr2-74136217-C-T.
Other names: c.273C>T, p.Tyr91= (NM_001199893.2).
Identifiers: ClinVar variation 4988766 (VCV004988766.1).
Genomic context (GRCh38, chr2:73,909,090, plus strand): 5'-CTTTTATTCTTCATTGTCCTTTAAGATCATGTTTGAAACCTTCAATGTCCCTGCCATGTA[C>T]GTCGCCATTCAAGCTGTGCTCTCCCTCTATGCCTCTGGCCGCACGACAGGTGAGTAATCC-3'
Protein context (NP_001606.1, residues 124-144): MFETFNVPAM[Tyr134=]VAIQAVLSLY